The following is an entry in ClinVar:

ClinVar aggregate classification (germline): Benign. Review status: criteria provided, multiple submitters, no conflicts (2 of 4 stars). 2 submissions from 2 submitters: Benign (2). Last evaluated 2018-06-19.

Allele frequency attached by ClinVar (database versions not stated): gnomAD exomes 0.09573 and 0.09770; ExAC 0.10278; gnomAD 0.14719 and 0.15050; 1000 Genomes Project 0.15455; TOPMed 0.15657; 1000 Genomes Project 30x 0.15740.
gnomAD v4.1: 164,780 of 1,606,794 alleles (10%); highest among the groups gnomAD compares: African/African-American, 32%; 11,048 homozygotes.

Submissions (2):

GeneDx
Classification: Benign. Last evaluated: 2018-06-19. Review status: criteria provided, single submitter. Criteria: GeneDx Variant Classification (06012015). Collection method: clinical testing. Allele origin: germline. Affected: yes.
Comment: This variant is considered likely benign or benign based on one or more of the following criteria: it is a conservative change, it occurs at a poorly conserved position in the protein, it is predicted to be benign by multiple in silico algorithms, and/or has population frequency not consistent with disease.

Breakthrough Genomics
Classification: Benign. Review status: criteria provided, single submitter. Criteria: ACMG Guidelines, 2015. Collection method: not provided. Allele origin: germline. Inheritance: Autosomal recessive inheritance. Affected: yes.

NM_001849.4(COL6A2):c.1817-69T>C

Gene: COL6A2 (collagen type VI alpha 2 chain; plus strand). Cytogenetic location: 21q22.3.
Variant type: single nucleotide variant.
Coding change: c.1817-69T>C on transcript NM_001849.4 (MANE Select); 69 bases into the intron before coding-DNA position 1817, T replaced by C.
Molecular consequence: intron variant.
Genome position (GRCh38, 1-based): chr21:46,125,396, T>C. VCF-style: chr21-46125396-T-C. GRCh37 (hg19) VCF-style: chr21-47545310-T-C.
Other names: c.1817-69T>C (NM_058175.3, NM_058174.3).
Identifiers: ClinVar variation 680245 (VCV000680245.2), dbSNP rs16978870, ClinGen allele CA10072261.